The following is an entry in ClinVar:

NM_001267550.2(TTN):c.90464A>G (p.Tyr30155Cys)

Genes: TTN (titin; minus strand), TTN-AS1 (TTN antisense RNA 1; plus strand). Cytogenetic location: 2q31.2.
Variant type: single nucleotide variant.
Coding change: c.90464A>G on transcript NM_001267550.2 (MANE Select); coding-DNA position 90464, A replaced by G.
Protein change: p.Tyr30155Cys; replaces tyrosine 30155 with cysteine.
Molecular consequence: missense variant.
Genome position (GRCh38, 1-based): chr2:178,552,436, T>C on the plus strand (A>G on the coding strand, the complement: TTN is on the minus strand). VCF-style: chr2-178552436-T-C. GRCh37 (hg19) VCF-style: chr2-179417163-T-C.
Other names: c.85541A>G, p.Tyr28514Cys (NM_001256850.1); c.63269A>G, p.Tyr21090Cys (NM_003319.4); c.82760A>G, p.Tyr27587Cys (NM_133378.4); c.63644A>G, p.Tyr21215Cys (NM_133432.3); c.63845A>G, p.Tyr21282Cys (NM_133437.4); short protein forms Y21090C, Y21215C, Y21282C, Y27587C, Y28514C, Y30155C.
Identifiers: ClinVar variation 2438380 (VCV002438380.4), dbSNP rs918516226, ClinGen allele CA60977735.

ClinVar aggregate classification (germline): Uncertain significance. Review status: criteria provided, multiple submitters, no conflicts (2 of 4 stars). 2 submissions from 2 submitters: Uncertain significance (2). Last evaluated 2025-11-26.

Conditions:
TTN-related disorder. Also called: TTN-related condition; TTN-related disease; TTN-related disorders.

Allele frequency attached by ClinVar (database versions not stated): gnomAD exomes below 0.00001; TOPMed below 0.00001; gnomAD 0.00001.
gnomAD v4.1: 3 of 1,602,402 alleles (0.00019%); highest among the groups gnomAD compares: African/African-American, 0.0013%; no homozygotes.

Submissions (2):

PreventionGenetics, part of Exact Sciences
Classification: Uncertain significance for TTN-related condition. Last evaluated: 2025-11-26. Review status: criteria provided, single submitter. Criteria: ACMG Guidelines, 2015. Collection method: clinical testing. Allele origin: germline.
Comment: The TTN c.90464A>G variant is predicted to result in the amino acid substitution p.Tyr30155Cys. To our knowledge, this variant has not been reported in the literature. This variant is reported in 0.0065% of alleles in individuals of African descent in gnomAD. At this time, the clinical significance of this variant is uncertain due to the absence of conclusive functional and genetic evidence.

Revvity Omics, Revvity
Classification: Uncertain significance. Last evaluated: 2021-03-19. Review status: criteria provided, single submitter. Criteria: ACMG Guidelines, 2015. Collection method: clinical testing. Allele origin: germline.